The following is an entry in ClinVar:

NM_001001957.2(OR2W3):c.105C>A (p.Tyr35Ter)

Gene: OR2W3 (olfactory receptor family 2 subfamily W member 3; plus strand). Cytogenetic location: 1q44.
Variant type: single nucleotide variant.
Coding change: c.105C>A on transcript NM_001001957.2 (MANE Select); coding-DNA position 105, C replaced by A.
Protein change: p.Tyr35Ter; replaces tyrosine 35 with a stop codon.
Molecular consequence: nonsense.
Genome position (GRCh38, 1-based): chr1:247,895,691, C>A. VCF-style: chr1-247895691-C-A. GRCh37 (hg19) VCF-style: chr1-248058993-C-A.
Other names: short protein forms Y35*.
Identifiers: ClinVar variation 2126651 (VCV002126651.4), dbSNP rs1311925561, ClinGen allele CA345591189.

ClinVar aggregate classification (germline): Uncertain significance (1 of 4 stars; one submission).

Submission:

Labcorp Genetics (formerly Invitae), Labcorp
Classification: Uncertain significance. Last evaluated: 2022-04-16. Review status: criteria provided, single submitter. Criteria: Invitae Variant Classification Sherloc (09022015). Collection method: clinical testing. Allele origin: germline.
Comment: In summary, the available evidence is currently insufficient to determine the role of this variant in disease. Therefore, it has been classified as a Variant of Uncertain Significance. Experimental studies and prediction algorithms are not available or were not evaluated, and the functional significance of this variant is currently unknown. This variant has not been reported in the literature in individuals affected with OR2W3-related conditions. This variant is present in population databases (no rsID available, gnomAD no frequency). This sequence change creates a premature translational stop signal (p.Tyr35*) in the OR2W3 gene. While this is not anticipated to result in nonsense mediated decay, it is expected to disrupt the last 280 amino acid(s) of the OR2W3 protein.